The following is an entry in ClinVar:

NM_004525.3(LRP2):c.7689C>A (p.Asp2563Glu)

Gene: LRP2 (LDL receptor related protein 2; minus strand). Cytogenetic location: 2q31.1.
Variant type: single nucleotide variant.
Coding change: c.7689C>A on transcript NM_004525.3 (MANE Select); coding-DNA position 7689, C replaced by A.
Protein change: p.Asp2563Glu; replaces aspartic acid 2563 with glutamic acid.
Molecular consequence: missense variant.
Genome position (GRCh38, 1-based): chr2:169,205,505, G>T on the plus strand (C>A on the coding strand, the complement: LRP2 is on the minus strand). VCF-style: chr2-169205505-G-T. GRCh37 (hg19) VCF-style: chr2-170062015-G-T.
Other names: short protein forms D2563E.
Identifiers: ClinVar variation 1479429 (VCV001479429.4), dbSNP rs1427554325, ClinGen allele CA349169111.

ClinVar aggregate classification (germline): Uncertain significance (1 of 4 stars; one submission).

Allele frequency attached by ClinVar (database versions not stated): gnomAD exomes 0.00001.
gnomAD v4.1: 4 of 1,614,044 alleles (0.00025%); highest among the groups gnomAD compares: East Asian, 0.0089%; no homozygotes.

Submission:

Labcorp Genetics (formerly Invitae), Labcorp
Classification: Uncertain significance. Last evaluated: 2026-01-05. Review status: criteria provided, single submitter. Criteria: Invitae Variant Classification Sherloc (09022015). Collection method: clinical testing. Allele origin: germline.
Comment: This sequence change replaces aspartic acid, which is acidic and polar, with glutamic acid, which is acidic and polar, at codon 2563 of the LRP2 protein (p.Asp2563Glu). This variant is not present in population databases (gnomAD no frequency). This variant has not been reported in the literature in individuals affected with LRP2-related conditions. ClinVar contains an entry for this variant (Variation ID: 1479429). Invitae Evidence Modeling of protein sequence and biophysical properties (such as structural, functional, and spatial information, amino acid conservation, physicochemical variation, residue mobility, and thermodynamic stability) indicates that this missense variant is not expected to disrupt LRP2 protein function with a negative predictive value of 80%. In summary, the available evidence is currently insufficient to determine the role of this variant in disease. Therefore, it has been classified as a Variant of Uncertain Significance.